The following is an entry in ClinVar:

ClinVar aggregate classification (germline): Uncertain significance (1 of 4 stars; one submission).

gnomAD v4.1: 1 of 1,575,004 alleles (0.000063%); highest among the groups gnomAD compares: South Asian, 0.0012%; no homozygotes.

Submission:

GeneDx
Classification: Uncertain significance. Last evaluated: 2024-08-10. Review status: criteria provided, single submitter. Criteria: GeneDx Variant Classification Process June 2021. Collection method: clinical testing. Allele origin: germline. Affected: yes.
Comment: Not observed at significant frequency in large population cohorts (gnomAD); In silico analysis indicates that this missense variant does not alter protein structure/function; Has not been previously published as pathogenic or benign to our knowledge

NM_014396.4(VPS41):c.2475G>A (p.Met825Ile)

Gene: VPS41 (VPS41 subunit of HOPS complex; minus strand). Cytogenetic location: 7p14.1.
Variant type: single nucleotide variant.
Coding change: c.2475G>A on transcript NM_014396.4 (MANE Select); coding-DNA position 2475, G replaced by A.
Protein change: p.Met825Ile; replaces methionine 825 with isoleucine.
Molecular consequence: missense variant.
Genome position (GRCh38, 1-based): chr7:38,726,918, C>T on the plus strand (G>A on the coding strand, the complement: VPS41 is on the minus strand). VCF-style: chr7-38726918-C-T. GRCh37 (hg19) VCF-style: chr7-38766518-C-T.
Other names: c.2400G>A, p.Met800Ile (NM_080631.4); short protein forms M800I, M825I.
Identifiers: ClinVar variation 3603211 (VCV003603211.1).